The following is an entry in ClinVar:

NM_002691.4(POLD1):c.1775+3G>A

Gene: POLD1 (DNA polymerase delta 1, catalytic subunit; plus strand). Cytogenetic location: 19q13.33.
Variant type: single nucleotide variant.
Coding change: c.1775+3G>A on transcript NM_002691.4 (MANE Select); 3 bases into the intron after coding-DNA position 1775, G replaced by A.
Molecular consequence: intron variant.
Genome position (GRCh38, 1-based): chr19:50,407,418, G>A. VCF-style: chr19-50407418-G-A. GRCh37 (hg19) VCF-style: chr19-50910675-G-A.
Other names: c.1775+3G>A (NM_001256849.1, NM_001308632.1, NM_002691.2).
Identifiers: ClinVar variation 2185704 (VCV002185704.5), dbSNP rs2514003744, ClinGen allele CA2580097656.

ClinVar aggregate classification (germline): Conflicting classifications of pathogenicity. Review status: criteria provided, conflicting classifications (1 of 4 stars). 2 submissions from 2 submitters: Uncertain significance (1); Likely benign (1). Last evaluated 2026-09-04.

Conditions:
Hereditary cancer-predisposing syndrome. Also called: Tumor predisposition; Hereditary Cancer Syndrome; Hereditary neoplastic syndrome; Neoplastic Syndromes, Hereditary. Identifiers: Orphanet 140162, MedGen C0027672, MeSH D009386, MONDO:0015356.
POLD1-related polyposis and colorectal cancer syndrome (CRCS10). Also called: Colorectal cancer 10; Colorectal cancer, susceptibility to, 10; COLORECTAL CANCER, SUSCEPTIBILITY TO, ON CHROMOSOME 19q. Identifiers: Orphanet 220460, MedGen C2675481, MONDO:0012953, OMIM 612591.

Allele frequency attached by ClinVar (database versions not stated): gnomAD exomes below 0.00001.
gnomAD v4.1: 5 of 1,592,262 alleles (0.00031%); highest among the groups gnomAD compares: South Asian, 0.0011%; no homozygotes.

Submissions (2):

Ambry Genetics
Classification: Uncertain significance for Hereditary cancer-predisposing syndrome. Last evaluated: 2026-09-04. Review status: criteria provided, single submitter. Criteria: Ambry Variant Classification Scheme 2023. Collection method: clinical testing. Allele origin: germline.
Comment: The c.1775+3G>A intronic variant results from a G to A substitution 3 nucleotides after coding exon 13 in the POLD1 gene. This nucleotide position is not well conserved in available vertebrate species. In silico splice site analysis predicts that this alteration will not have any significant effect on splicing. Based on the available evidence, the clinical significance of this variant remains unclear.

Labcorp Genetics (formerly Invitae), Labcorp
Classification: Likely benign for POLD1-related polyposis and colorectal cancer syndrome. Last evaluated: 2025-12-22. Review status: criteria provided, single submitter. Criteria: Invitae Variant Classification Sherloc (09022015). Collection method: clinical testing. Allele origin: germline.